The following is an entry in ClinVar:

NM_001321120.2(TBX4):c.281+2T>A

Gene: TBX4 (T-box transcription factor 4; plus strand). Cytogenetic location: 17q23.2.
Variant type: single nucleotide variant.
Coding change: c.281+2T>A on transcript NM_001321120.2 (MANE Select); the canonical splice donor site of the intron after coding-DNA position 281, T replaced by A.
Molecular consequence: splice donor variant.
Genome position (GRCh38, 1-based): chr17:61,457,633, T>A. VCF-style: chr17-61457633-T-A. GRCh37 (hg19) VCF-style: chr17-59534994-T-A.
Other names: c.281+2T>A (NM_018488.3).
Identifiers: ClinVar variation 4723698 (VCV004723698.1).
Genomic context (GRCh38, chr17:61,457,633, plus strand): 5'-GAGCTCTGGAAGAAGTTCCACGAGGCGGGCACCGAGATGATCATCACTAAGGCTGGCAGG[T>A]CAGCGCTGGGAGATTTACTTCCGGGGATGGCGGTGGGGAGCAAGGGGGGCCAGGGAGGTC-3'

ClinVar aggregate classification (germline): Likely pathogenic (1 of 4 stars; one submission).

Submission:

Labcorp Genetics (formerly Invitae), Labcorp
Classification: Likely pathogenic. Last evaluated: 2025-12-29. Review status: criteria provided, single submitter. Criteria: Invitae Variant Classification Sherloc (09022015). Collection method: clinical testing. Allele origin: germline.
Comment: This sequence change affects a donor splice site in intron 2 of the TBX4 gene. It is expected to disrupt RNA splicing. Variants that disrupt the donor or acceptor splice site typically lead to a loss of protein function (PMID: 16199547), and loss-of-function variants in TBX4 are known to be pathogenic (PMID: 15106123, 31151956, 31761294, 31965066, 32079640). This variant is not present in population databases (gnomAD no frequency). This variant has not been reported in the literature in individuals affected with TBX4-related conditions. Algorithms developed to predict the effect of sequence changes on RNA splicing suggest that this variant may disrupt the consensus splice site. In summary, the currently available evidence indicates that the variant is pathogenic, but additional data are needed to prove that conclusively. Therefore, this variant has been classified as Likely Pathogenic.

Literature cited by the submitters: PubMed 16199547; PubMed 15106123; PubMed 31151956; PubMed 31761294; PubMed 31965066; PubMed 32079640.